The following is an entry in ClinVar:

NM_058216.3(RAD51C):c.57G>T (p.Leu19=)

Gene: RAD51C (RAD51 paralog C; plus strand). Cytogenetic location: 17q22.
Variant type: single nucleotide variant.
Coding change: c.57G>T on transcript NM_058216.3 (MANE Select); coding-DNA position 57, G replaced by T.
Protein change: p.Leu19=; no amino-acid change (leucine 19 retained).
Molecular consequence: synonymous variant. On other transcripts: non-coding transcript variant (1).
Genome position (GRCh38, 1-based): chr17:58,692,700, G>T. VCF-style: chr17-58692700-G-T. GRCh37 (hg19) VCF-style: chr17-56770061-G-T.
Other names: c.57G>T, p.Leu19= (NM_002876.4).
Identifiers: ClinVar variation 3903944 (VCV003903944.1).

ClinVar aggregate classification (germline): Benign (1 of 4 stars; one submission).

Conditions:
Breast-ovarian cancer, familial, susceptibility to, 3. Also called: RAD51C-Related Breast/Ovarian Cancer. Identifiers: Orphanet 145, MedGen C3150659, MONDO:0013253, OMIM 613399.

Submission:

Myriad Genetics, Inc.
Classification: Benign for Breast-ovarian cancer, familial, susceptibility to, 3. Last evaluated: 2025-02-14. Review status: criteria provided, single submitter. Criteria: Myriad Autosomal Dominant, Autosomal Recessive and X-Linked Classification Criteria (2023). Collection method: clinical testing. Allele origin: unknown.
Comment: This variant is considered benign. This variant is a silent/synonymous amino acid change and it is not expected to impact splicing.